The following is an entry in ClinVar:

ClinVar aggregate classification (germline): Uncertain significance. Review status: criteria provided, multiple submitters, no conflicts (2 of 4 stars). 2 submissions from 2 submitters: Uncertain significance (2). Last evaluated 2026-04-03.

Conditions:
Pheochromocytoma. Also called: MAX-Related Hereditary Paraganglioma-Pheochromocytoma Syndrome. Identifiers: Orphanet 29072, MedGen C0031511, MONDO:0008233, OMIM 171300, HP:0002666.
Pheochromocytoma/paraganglioma syndrome 4. Also called: CAROTID BODY TUMORS AND MULTIPLE EXTRAADRENAL PHEOCHROMOCYTOMAS; PARAGANGLIOMA, FAMILIAL MALIGNANT; PARAGANGLIOMAS, HEREDITARY EXTRAADRENAL; PHEOCHROMOCYTOMA, FAMILIAL EXTRAADRENAL; Paragangliomas 4; SDHB-Related Hereditary Paraganglioma-Pheochromocytoma Syndrome (Paragangliomas 4). Identifiers: Orphanet 29072, MedGen C1861848, MONDO:0007273, OMIM 115310.
Gastrointestinal stromal tumor. Also called: Gastrointestinal stromal tumor, somatic; Gastrointestinal stroma tumor. Identifiers: Orphanet 44890, MedGen C0238198, MeSH D046152, MONDO:0011719, OMIM 606764, HP:0100723.
Hereditary cancer-predisposing syndrome. Also called: Hereditary Cancer Syndrome; Hereditary neoplastic syndrome; Neoplastic Syndromes, Hereditary; Tumor predisposition. Identifiers: Orphanet 140162, MedGen C0027672, MeSH D009386, MONDO:0015356.

Submissions (2):

Ambry Genetics
Classification: Uncertain significance for Hereditary cancer-predisposing syndrome. Last evaluated: 2026-04-03. Review status: criteria provided, single submitter. Criteria: Ambry Variant Classification Scheme 2023. Collection method: clinical testing. Allele origin: germline.
Comment: The p.A75T variant (also known as c.223G>A), located in coding exon 3 of the SDHB gene, results from a G to A substitution at nucleotide position 223. The alanine at codon 75 is replaced by threonine, an amino acid with similar properties. This amino acid position is highly conserved in available vertebrate species. In addition, this alteration is predicted to be deleterious by in silico analysis. Based on the available evidence, the clinical significance of this variant remains unclear.

Labcorp Genetics (formerly Invitae), Labcorp
Classification: Uncertain significance for Gastrointestinal stromal tumor; Pheochromocytoma/paraganglioma syndrome 4; Pheochromocytoma. Last evaluated: 2025-05-14. Review status: criteria provided, single submitter. Criteria: Invitae Variant Classification Sherloc (09022015). Collection method: clinical testing. Allele origin: germline.
Comment: This sequence change replaces alanine, which is neutral and non-polar, with threonine, which is neutral and polar, at codon 75 of the SDHB protein (p.Ala75Thr). This variant is not present in population databases (gnomAD no frequency). This variant has not been reported in the literature in individuals affected with SDHB-related conditions. ClinVar contains an entry for this variant (Variation ID: 2562721). Invitae Evidence Modeling of protein sequence and biophysical properties (such as structural, functional, and spatial information, amino acid conservation, physicochemical variation, residue mobility, and thermodynamic stability) indicates that this missense variant is expected to disrupt SDHB protein function with a positive predictive value of 80%. In summary, the available evidence is currently insufficient to determine the role of this variant in disease. Therefore, it has been classified as a Variant of Uncertain Significance.

NM_003000.3(SDHB):c.223G>A (p.Ala75Thr)

Gene: SDHB (succinate dehydrogenase complex iron sulfur subunit B; minus strand). Cytogenetic location: 1p36.13.
Variant type: single nucleotide variant.
Coding change: c.223G>A on transcript NM_003000.3 (MANE Select); coding-DNA position 223, G replaced by A.
Protein change: p.Ala75Thr; replaces alanine 75 with threonine.
Molecular consequence: missense variant.
Genome position (GRCh38, 1-based): chr1:17,033,123, C>T on the plus strand (G>A on the coding strand, the complement: SDHB is on the minus strand). VCF-style: chr1-17033123-C-T. GRCh37 (hg19) VCF-style: chr1-17359618-C-T.
Other names: c.223G>A, p.Ala75Thr (NM_001407361.1); short protein forms A75T.
Identifiers: ClinVar variation 2562721 (VCV002562721.4), dbSNP rs2101529057, ClinGen allele CA338276601.